The following is an entry in ClinVar:

ClinVar aggregate classification (germline): Pathogenic (1 of 4 stars; one submission).

Conditions:
Jeune thoracic dystrophy. Also called: Jeune syndrome; Infantile thoracic dystrophy; Thoracic pelvic phalangeal dystrophy; Jeune's syndrome; Chondroectodermal dysplasia-like syndrome; Short-rib thoracic dysplasia. Identifiers: Orphanet 474, MedGen C0265275, MONDO:0018770.
Nephronophthisis. Also called: Juvenile Nephronophthisis. Identifiers: Orphanet 655, MedGen C0687120, MONDO:0019005, HP:0000090.

Allele frequency attached by ClinVar (database versions not stated): gnomAD exomes below 0.00001.

Submission:

Labcorp Genetics (formerly Invitae), Labcorp
Classification: Pathogenic for Jeune thoracic dystrophy; Nephronophthisis. Last evaluated: 2021-12-22. Review status: criteria provided, single submitter. Criteria: Invitae Variant Classification Sherloc (09022015). Collection method: clinical testing. Allele origin: germline.
Comment: This sequence change creates a premature translational stop signal (p.Leu766Hisfs*5) in the TTC21B gene. It is expected to result in an absent or disrupted protein product. Loss-of-function variants in TTC21B are known to be pathogenic (PMID: 18327258, 21068128, 21258341, 23559409, 24876116, 25492405, 27491411, 29068549). This variant is not present in population databases (gnomAD no frequency). This variant has not been reported in the literature in individuals affected with TTC21B-related conditions. For these reasons, this variant has been classified as Pathogenic.

Literature cited by the submitters: PubMed 18327258; PubMed 21068128; PubMed 21258341; PubMed 23559409; PubMed 24876116; PubMed 25492405; PubMed 27491411; PubMed 29068549.

NM_024753.5(TTC21B):c.2297_2298del (p.Leu766fs)

Gene: TTC21B (tetratricopeptide repeat domain 21B; minus strand). Cytogenetic location: 2q24.3.
Variant type: Deletion.
Coding change: c.2297_2298del on transcript NM_024753.5 (MANE Select); coding-DNA positions 2297 to 2298, 2 bases deleted (TT; older notation c.2297_2298delTT).
Protein change: p.Leu766fs; shifts the reading frame from leucine 766.
Molecular consequence: frameshift variant.
Genome position (GRCh38, 1-based): chr2:165,912,538-165,912,539, AA deleted on the plus strand (TT on the coding strand, the reverse complement: TTC21B is on the minus strand). VCF-style (leftmost placement, unchanged base first): chr2-165912537-TAA-T. GRCh37 (hg19) VCF-style: chr2-166769047-TAA-T.
Other names: short protein forms L766fs.
Identifiers: ClinVar variation 2053254 (VCV002053254.4), dbSNP rs2468169471, ClinGen allele CA2580064243.
Genomic context (GRCh38, chr2:165,912,537, plus strand): 5'-GATGCAACAGACATATTTCAAACAATAAAGTACTTACCATTGAGTAGTTATGAGTTTTGA[TAA>T]GTGCTTTGCCCATTTTGCTTGCCAATGTTCCATCTTTCGGGTTCTGATTTAATGCTTGCT-3'